The following is an entry in ClinVar:

ClinVar aggregate classification (germline): Uncertain significance (1 of 4 stars; one submission).

Conditions:
Candidiasis, familial, 9 (CANDF9). Identifiers: Orphanet 1334, MedGen C4225324, MONDO:0014642, OMIM 616445.

Allele frequency attached by ClinVar (database versions not stated): gnomAD exomes below 0.00001; gnomAD 0.00001; 1000 Genomes Project 30x 0.00016; 1000 Genomes Project 0.00020.
gnomAD v4.1: 2 of 1,614,104 alleles (0.00012%); highest among the groups gnomAD compares: Admixed American, 0.0033%; no homozygotes.

Submission:

Labcorp Genetics (formerly Invitae), Labcorp
Classification: Uncertain significance for Candidiasis, familial, 9. Last evaluated: 2021-02-26. Review status: criteria provided, single submitter. Criteria: Invitae Variant Classification Sherloc (09022015). Collection method: clinical testing. Allele origin: germline.
Comment: This sequence change affects codon 483 of the IL17RC mRNA. It is a 'silent' change, meaning that it does not change the encoded amino acid sequence of the IL17RC protein. This variant is not present in population databases (ExAC no frequency). This variant has not been reported in the literature in individuals with IL17RC-related conditions. Algorithms developed to predict the effect of sequence changes on RNA splicing suggest that this variant may create or strengthen a splice site, but this prediction has not been confirmed by published transcriptional studies. In summary, the available evidence is currently insufficient to determine the role of this variant in disease. Therefore, it has been classified as a Variant of Uncertain Significance.

NM_153460.4(IL17RC):c.1236G>A (p.Leu412=)

Gene: IL17RC (interleukin 17 receptor C; plus strand). Cytogenetic location: 3p25.3.
Variant type: single nucleotide variant.
Coding change: c.1236G>A on transcript NM_153460.4 (MANE Select); coding-DNA position 1236, G replaced by A.
Protein change: p.Leu412=; no amino-acid change (leucine 412 retained).
Molecular consequence: synonymous variant. On other transcripts: non-coding transcript variant (1).
Genome position (GRCh38, 1-based): chr3:9,930,107, G>A. VCF-style: chr3-9930107-G-A. GRCh37 (hg19) VCF-style: chr3-9971791-G-A.
Other names: c.1236G>A, p.Leu412= (NM_001203263.2); c.1185G>A, p.Leu395= (NM_001203264.2); c.1140G>A, p.Leu380= (NM_001203265.2); c.1197G>A, p.Leu399= (NM_001367278.1); c.1116G>A, p.Leu372= (NM_001367279.1); c.1191G>A, p.Leu397= (NM_001367280.1, NM_032732.6); c.1449G>A, p.Leu483= (NM_153461.4).
Identifiers: ClinVar variation 1001948 (VCV001001948.5), dbSNP rs576965061, ClinGen allele CA69995511.